The following is an entry in ClinVar:

NM_005448.2(BMP15):c.1070G>A (p.Cys357Tyr)

Gene: BMP15 (bone morphogenetic protein 15; plus strand). Cytogenetic location: Xp11.22.
Variant type: single nucleotide variant.
Coding change: c.1070G>A on transcript NM_005448.2 (MANE Select); coding-DNA position 1070, G replaced by A.
Protein change: p.Cys357Tyr; replaces cysteine 357 with tyrosine.
Molecular consequence: missense variant.
Genome position (GRCh38, 1-based): chrX:50,916,498, G>A. VCF-style: chrX-50916498-G-A. GRCh37 (hg19) VCF-style: chrX-50659498-G-A.
Other names: short protein forms C357Y.
Identifiers: ClinVar variation 4857705 (VCV004857705.2).

ClinVar aggregate classification (germline): Uncertain significance (1 of 4 stars; one submission).

Conditions:
Ovarian dysgenesis 2 (ODG2). Also called: OVARIAN DYSGENESIS, HYPERGONADOTROPIC, X-LINKED; OVARIAN FAILURE, HYPERGONADOTROPIC, DUE TO OVARIAN DYSGENESIS. Identifiers: Orphanet 243, MedGen C1845294, MONDO:0010349, OMIM 300510.

gnomAD v4.1: 2 of 1,211,434 alleles (0.00017%); highest among the groups gnomAD compares: East Asian, 0.0059%; no homozygotes.

Submission:

Juno Genomics, Hangzhou Juno Genomics, Inc
Classification: Uncertain significance for Ovarian dysgenesis 2. Review status: criteria provided, single submitter. Criteria: ACMG Guidelines, 2015. Collection method: clinical testing. Allele origin: germline.
Comment: Absent from controls (or at extremely low frequency if recessive) in Genome Aggregation Database.;Multiple lines of computational evidence support a deleterious effect on the gene or gene product.;For recessive disorders, detected in trans with a pathogenic variant.;Patient's phenotype or family history is highly specific for a disease with a single genetic etiology.